The following is an entry in ClinVar:

NM_005560.6(LAMA5):c.4315G>A (p.Gly1439Ser)

Gene: LAMA5 (laminin subunit alpha 5; minus strand). Cytogenetic location: 20q13.33.
Variant type: single nucleotide variant.
Coding change: c.4315G>A on transcript NM_005560.6 (MANE Select); coding-DNA position 4315, G replaced by A.
Protein change: p.Gly1439Ser; replaces glycine 1439 with serine.
Molecular consequence: missense variant.
Genome position (GRCh38, 1-based): chr20:62,328,976, C>T on the plus strand (G>A on the coding strand, the complement: LAMA5 is on the minus strand). VCF-style: chr20-62328976-C-T. GRCh37 (hg19) VCF-style: chr20-60904032-C-T.
Other names: short protein forms G1439S.
Identifiers: ClinVar variation 1077035 (VCV001077035.1), dbSNP rs769916610, ClinGen allele CA9942643.

ClinVar aggregate classification (germline): Likely pathogenic (1 of 4 stars; one submission).

Conditions:
Nephrotic syndrome. Identifiers: MedGen C0027726, MONDO:0005377, HP:0000100.

Allele frequency attached by ClinVar (database versions not stated): TOPMed below 0.00001; gnomAD 0.00001; gnomAD exomes 0.00001 and 0.00002; ExAC 0.00002.

Submission:

Precision Medicine Center, Zhengzhou University
Classification: Likely pathogenic for Nephrotic syndrome. Review status: criteria provided, single submitter. Criteria: ACMG Guidelines, 2015. Collection method: research. Allele origin: germline. Affected: yes.
Comment: PM1:Located in well-established functional domain PP1:Cosegregation with disease in multiple affected family members PP3:Multiple lines of computational evidence support a deleterious effect on the gene or gene product PP4:Patient's phenotype is highly specific for a disease PP5:Reputable source recently reports variant as pathogenic